The following is an entry in ClinVar:

NM_004656.4(BAP1):c.1353G>T (p.Lys451Asn)

Gene: BAP1 (BRCA1 associated deubiquitinase 1; minus strand). Cytogenetic location: 3p21.1.
Variant type: single nucleotide variant.
Coding change: c.1353G>T on transcript NM_004656.4 (MANE Select); coding-DNA position 1353, G replaced by T.
Protein change: p.Lys451Asn; replaces lysine 451 with asparagine.
Molecular consequence: missense variant.
Genome position (GRCh38, 1-based): chr3:52,403,792, C>A on the plus strand (G>T on the coding strand, the complement: BAP1 is on the minus strand). VCF-style: chr3-52403792-C-A. GRCh37 (hg19) VCF-style: chr3-52437808-C-A.
Other names: c.1299G>T, p.Lys433Asn (NM_001410772.1); short protein forms K433N, K451N.
Identifiers: ClinVar variation 5032741 (VCV005032741.1).

ClinVar aggregate classification (germline): Uncertain significance (1 of 4 stars; one submission).

Conditions:
Hereditary cancer-predisposing syndrome. Also called: Neoplastic Syndromes, Hereditary; Tumor predisposition; Hereditary neoplastic syndrome; Hereditary Cancer Syndrome. Identifiers: Orphanet 140162, MedGen C0027672, MeSH D009386, MONDO:0015356.

gnomAD v4.1: 1 of 1,614,108 alleles (0.000062%); highest among the groups gnomAD compares: Middle Eastern, 0.016%; no homozygotes.

Submission:

Ambry Genetics
Classification: Uncertain significance for Hereditary cancer-predisposing syndrome. Last evaluated: 2026-07-29. Review status: criteria provided, single submitter. Criteria: Ambry Variant Classification Scheme 2023. Collection method: clinical testing. Allele origin: germline.
Comment: The p.K451N variant (also known as c.1353G>T), located in coding exon 13 of the BAP1 gene, results from a G to T substitution at nucleotide position 1353. The lysine at codon 451 is replaced by asparagine, an amino acid with similar properties. This amino acid position is highly conserved in available vertebrate species. In addition, this alteration is predicted to be tolerated by in silico analysis. Based on the available evidence, the clinical significance of this variant remains unclear.